The following is an entry in ClinVar:

NC_000011.9:g.(?_822584)_(827508_?)del

Gene: PNPLA2 (patatin like domain 2, triacylglycerol lipase; plus strand). Cytogenetic location: 11p15.5.
Variant type: Deletion.
Identifiers: ClinVar variation 2426547 (VCV002426547.4).

ClinVar aggregate classification (germline): Uncertain significance (1 of 4 stars; one submission).

Conditions:
Neutral lipid storage myopathy (NLSDM). Also called: NEUTRAL LIPID STORAGE DISEASE WITHOUT ICHTHYOSIS. Identifiers: Orphanet 98908, MedGen C1853136, MONDO:0012545, OMIM 610717.

Submission:

Labcorp Genetics (formerly Invitae), Labcorp
Classification: Uncertain significance for Neutral lipid storage myopathy. Last evaluated: 2022-06-08. Review status: criteria provided, single submitter. Criteria: Invitae Variant Classification Sherloc (09022015). Collection method: clinical testing. Allele origin: germline.
Comment: In summary, the available evidence is currently insufficient to determine the role of this variant in disease. Therefore, it has been classified as a Variant of Uncertain Significance. Experimental studies and prediction algorithms are not available or were not evaluated, and the functional significance of this variant is currently unknown. This variant has not been reported in the literature in individuals affected with PNPLA2-related conditions. This variant results in the deletion of exons 6-10 and part of exon 5 (c.675_*2647del) of the PNPLA2 gene. While this deletion is not anticipated to lead to nonsense mediated decay, it is expected to alter mRNA translation or result in a truncated protein product.